The following is an entry in ClinVar:

ClinVar aggregate classification (germline): Uncertain significance. Review status: criteria provided, multiple submitters, no conflicts (2 of 4 stars). 3 submissions from 3 submitters: Uncertain significance (3). Last evaluated 2025-07-14.

Conditions:
Paramyotonia congenita of Von Eulenburg. Also called: PARALYSIS PERIODICA PARAMYOTONICA; Paramyotonia Congenita; Eulenburg disease; Myotonia congenita intermittens; Von Eulenburg paramyotonia congenita. Identifiers: Orphanet 684, MedGen C0221055, MONDO:0008195, OMIM 168300. Disease mechanism: loss of function.
Congenital myasthenic syndrome 16. Identifiers: Orphanet 590, MedGen C3280112, MONDO:0013620, OMIM 614198.
Hypokalemic periodic paralysis, type 1. Also called: Hypokalemic Periodic Paralysis Type 1 (AD); HypoPP. Identifiers: Orphanet 681, MedGen C3714580, MONDO:0042979, OMIM 170400.
Potassium-aggravated myotonia. Also called: MYOTONIA CONGENITA, ACETAZOLAMIDE-RESPONSIVE; MYOTONIA CONGENITA, ATYPICAL; SODIUM CHANNEL MUSCLE DISEASE; Myotonia congenita, atypical, acetazolamide-responsive. Identifiers: Orphanet 612, Orphanet 99734, Orphanet 99735, Orphanet 99736, MedGen C2931826, MONDO:0018959, OMIM 608390.
Hypokalemic periodic paralysis, type 2 (HOKPP2). Identifiers: Orphanet 681, MedGen C2750061, MONDO:0013234, OMIM 613345.
Hyperkalemic periodic paralysis. Also called: Familial hyperkalemic periodic paralysis; Gamstorp disease. Identifiers: Orphanet 682, MedGen C0238357, MONDO:0008224, OMIM 170500, HP:0007215.

Allele frequency attached by ClinVar (database versions not stated): gnomAD 0.00002; TOPMed 0.00007; ESP Exome Variant Server 0.00008; gnomAD exomes 0.00003 and 0.00009; ExAC 0.00009.
gnomAD v4.1: 24 of 1,613,780 alleles (0.0015%); highest among the groups gnomAD compares: Admixed American, 0.035%; no homozygotes.

Submissions (3):

Labcorp Genetics (formerly Invitae), Labcorp
Classification: Uncertain significance for Hyperkalemic periodic paralysis. Last evaluated: 2025-07-14. Review status: criteria provided, single submitter. Criteria: Invitae Variant Classification Sherloc (09022015). Collection method: clinical testing. Allele origin: germline.
Comment: This sequence change replaces asparagine, which is neutral and polar, with serine, which is neutral and polar, at codon 355 of the SCN4A protein (p.Asn355Ser). This variant is present in population databases (rs374835121, gnomAD 0.05%). This variant has not been reported in the literature in individuals affected with SCN4A-related conditions. ClinVar contains an entry for this variant (Variation ID: 1433333). Invitae Evidence Modeling of protein sequence and biophysical properties (such as structural, functional, and spatial information, amino acid conservation, physicochemical variation, residue mobility, and thermodynamic stability) indicates that this missense variant is not expected to disrupt SCN4A protein function with a negative predictive value of 95%. In summary, the available evidence is currently insufficient to determine the role of this variant in disease. Therefore, it has been classified as a Variant of Uncertain Significance.

Revvity Omics, Revvity
Classification: Uncertain significance. Last evaluated: 2022-06-22. Review status: criteria provided, single submitter. Criteria: ACMG Guidelines, 2015. Collection method: clinical testing. Allele origin: germline.

Fulgent Genetics
Classification: Uncertain significance for Paramyotonia congenita of Von Eulenburg; Hypokalemic periodic paralysis, type 1; Hyperkalemic periodic paralysis; Potassium-aggravated myotonia; Hypokalemic periodic paralysis, type 2; Congenital myasthenic syndrome 16. Last evaluated: 2022-04-04. Review status: criteria provided, single submitter. Criteria: ACMG Guidelines, 2015. Collection method: clinical testing. Allele origin: unknown.

NM_000334.4(SCN4A):c.1064A>G (p.Asn355Ser)

Gene: SCN4A (sodium voltage-gated channel alpha subunit 4; minus strand). Cytogenetic location: 17q23.3.
Variant type: single nucleotide variant.
Coding change: c.1064A>G on transcript NM_000334.4 (MANE Select); coding-DNA position 1064, A replaced by G.
Protein change: p.Asn355Ser; replaces asparagine 355 with serine.
Molecular consequence: missense variant.
Genome position (GRCh38, 1-based): chr17:63,966,517, T>C on the plus strand (A>G on the coding strand, the complement: SCN4A is on the minus strand). VCF-style: chr17-63966517-T-C. GRCh37 (hg19) VCF-style: chr17-62043877-T-C.
Other names: short protein forms N355S.
Identifiers: ClinVar variation 1433333 (VCV001433333.10), dbSNP rs374835121, ClinGen allele CA8709946.